The following is an entry in ClinVar:

ClinVar aggregate classification (germline): Uncertain significance (1 of 4 stars; one submission).

gnomAD v4.1: 3 of 1,613,962 alleles (0.00019%); highest among the groups gnomAD compares: Non-Finnish European, 0.00017%; no homozygotes.

Submission:

Labcorp Genetics (formerly Invitae), Labcorp
Classification: Uncertain significance. Last evaluated: 2025-03-18. Review status: criteria provided, single submitter. Criteria: Invitae Variant Classification Sherloc (09022015). Collection method: clinical testing. Allele origin: germline.
Comment: This sequence change replaces serine, which is neutral and polar, with glycine, which is neutral and non-polar, at codon 304 of the HOMER2 protein (p.Ser304Gly). This variant is present in population databases (no rsID available, gnomAD 0.0009%). This variant has not been reported in the literature in individuals affected with HOMER2-related conditions. An algorithm developed to predict the effect of missense changes on protein structure and function (PolyPhen-2) suggests that this variant is likely to be disruptive. In summary, the available evidence is currently insufficient to determine the role of this variant in disease. Therefore, it has been classified as a Variant of Uncertain Significance.

NM_004839.4(HOMER2):c.910A>G (p.Ser304Gly)

Gene: HOMER2 (homer scaffold protein 2; minus strand). Cytogenetic location: 15q25.2.
Variant type: single nucleotide variant.
Coding change: c.910A>G on transcript NM_004839.4 (MANE Select); coding-DNA position 910, A replaced by G.
Protein change: p.Ser304Gly; replaces serine 304 with glycine.
Molecular consequence: missense variant.
Genome position (GRCh38, 1-based): chr15:82,849,837, T>C on the plus strand (A>G on the coding strand, the complement: HOMER2 is on the minus strand). VCF-style: chr15-82849837-T-C. GRCh37 (hg19) VCF-style: chr15-83518589-T-C.
Other names: c.943A>G, p.Ser315Gly (NM_199330.3); short protein forms S304G, S315G.
Identifiers: ClinVar variation 4760921 (VCV004760921.1).